The following is an entry in ClinVar:

NM_001193315.2(VIPAS39):c.1356+10C>T

Gene: VIPAS39 (VPS33B interacting protein, apical-basolateral polarity regulator, spe-39 homolog; minus strand). Cytogenetic location: 14q24.3.
Variant type: single nucleotide variant.
Coding change: c.1356+10C>T on transcript NM_001193315.2 (MANE Select); 10 bases into the intron after coding-DNA position 1356, C replaced by T.
Molecular consequence: intron variant.
Genome position (GRCh38, 1-based): chr14:77,428,996, G>A on the plus strand (C>T on the coding strand, the complement: VIPAS39 is on the minus strand). VCF-style: chr14-77428996-G-A. GRCh37 (hg19) VCF-style: chr14-77895339-G-A.
Other names: c.1356+10C>T (NM_022067.3, NM_001400335.1, NM_022067.4 and 3 more transcripts); c.1116+10C>T (NM_001400337.1); c.1209+10C>T (NM_001193316.2, NM_001400324.1, NM_001400325.1); c.1263+10C>T (NM_001400333.1, NM_001400334.1); c.1323+10C>T (NM_001400327.1); c.1077+10C>T (NM_001400338.1); c.1071+10C>T (NM_001400339.1); c.1221+10C>T (NM_001400336.1); and 1 more.
Identifiers: ClinVar variation 4922668 (VCV004922668.2).

ClinVar aggregate classification (germline): Likely benign. Review status: criteria provided, multiple submitters, no conflicts (2 of 4 stars). 2 submissions from 2 submitters: Likely benign (2). Last evaluated 2026-03-26.

Conditions:
VIPAS39-related disorder. Also called: VIPAS39-related condition.

gnomAD v4.1: 4 of 1,612,500 alleles (0.00025%); highest among the groups gnomAD compares: Non-Finnish European, 0.00025%; no homozygotes.

Submissions (2):

PreventionGenetics, part of Exact Sciences
Classification: Likely benign for VIPAS39-related condition. Last evaluated: 2026-03-26. Review status: criteria provided, single submitter. Criteria: ACMG Guidelines, 2015. Collection method: clinical testing. Allele origin: germline.
Comment: This variant is classified as likely benign based on ACMG/AMP sequence variant interpretation guidelines (Richards et al. 2015 PMID: 25741868, with internal and published modifications).

Blueprint Genetics
Classification: Likely benign. Last evaluated: 2024-04-29. Review status: criteria provided, single submitter. Criteria: ACMG Guidelines, 2015. Collection method: clinical testing. Allele origin: germline.